The following is an entry in ClinVar:

ClinVar aggregate classification (germline): Uncertain significance (1 of 4 stars; one submission).

Conditions:
Combined immunodeficiency due to STIM1 deficiency. Also called: IMMUNODEFICIENCY 10; STIM1 DEFICIENCY. Identifiers: Orphanet 169090, Orphanet 317430, MedGen C2748557, MONDO:0013008, OMIM 612783.
Myopathy with tubular aggregates (TAM). Also called: Tubular Aggregate Myopathy. Identifiers: Orphanet 2593, MedGen C0410207, MONDO:0008051.
Stormorken syndrome (STRMK). Also called: THROMBOCYTOPATHY, ASPLENIA, AND MIOSIS. Identifiers: Orphanet 3204, MedGen C1861451, MONDO:0008497, OMIM 185070.

Submission:

Labcorp Genetics (formerly Invitae), Labcorp
Classification: Uncertain significance for Myopathy with tubular aggregates; Combined immunodeficiency due to STIM1 deficiency; Stormorken syndrome. Last evaluated: 2020-11-25. Review status: criteria provided, single submitter. Criteria: Invitae Variant Classification Sherloc (09022015). Collection method: clinical testing. Allele origin: germline.
Comment: A copy number gain of the genomic region encompassing the full coding sequence of the STIM1 gene has been identified. The boundaries of this event are unknown as they extend beyond the assayed region for this gene and therefore may encompass additional genes. As the precise location of this event is unknown, it may be in tandem or it may be located elsewhere in the genome. This variant has not been reported in the literature in individuals with STIM1-related conditions. In summary, the available evidence is currently insufficient to determine the role of this variant in disease. Therefore, it has been classified as a Variant of Uncertain Significance.

NC_000011.9:g.(?_3877501)_(4113028_?)dup

Gene: STIM1 (stromal interaction molecule 1; plus strand). Cytogenetic location: 11p15.4.
Variant type: Duplication.
Identifiers: ClinVar variation 1374315 (VCV001374315.1).